The following is an entry in ClinVar:

ClinVar aggregate classification (germline): Likely benign (0 of 4 stars; one submission).

Conditions:
GPR156-related disorder. Also called: GPR156-related condition.

Allele frequency attached by ClinVar (database versions not stated): gnomAD exomes 0.00012; ExAC 0.00037; gnomAD 0.00113; ESP Exome Variant Server 0.00123; TOPMed 0.00126; 1000 Genomes Project 30x 0.00234; 1000 Genomes Project 0.00280.

Submission:

PreventionGenetics, part of Exact Sciences
Classification: Likely benign for GPR156-related condition. Last evaluated: 2024-03-05. Review status: no assertion criteria provided. Collection method: clinical testing. Allele origin: germline.
Comment: This variant is classified as likely benign based on ACMG/AMP sequence variant interpretation guidelines (Richards et al. 2015 PMID: 25741868, with internal and published modifications).

NM_153002.3(GPR156):c.655C>T (p.Arg219Trp)

Gene: GPR156 (G protein-coupled receptor 156; minus strand). Cytogenetic location: 3q13.33.
Variant type: single nucleotide variant.
Coding change: c.655C>T on transcript NM_153002.3 (MANE Select); coding-DNA position 655, C replaced by T.
Protein change: p.Arg219Trp; replaces arginine 219 with tryptophan.
Molecular consequence: missense variant.
Genome position (GRCh38, 1-based): chr3:120,185,340, G>A on the plus strand (C>T on the coding strand, the complement: GPR156 is on the minus strand). VCF-style: chr3-120185340-G-A. GRCh37 (hg19) VCF-style: chr3-119904187-G-A.
Other names: c.643C>T, p.Arg215Trp (NM_001168271.2); short protein forms R215W, R219W.
Identifiers: ClinVar variation 3033335 (VCV003033335.2), dbSNP rs145207432, ClinGen allele CA2558945.